The following is an entry in ClinVar:

NM_000256.3(MYBPC3):c.3490+2T>G

Gene: MYBPC3 (myosin binding protein C3; minus strand). Cytogenetic location: 11p11.2.
Variant type: single nucleotide variant.
Coding change: c.3490+2T>G on transcript NM_000256.3 (MANE Select); the canonical splice donor site of the intron after coding-DNA position 3490, T replaced by G.
Molecular consequence: splice donor variant.
Genome position (GRCh38, 1-based): chr11:47,332,812, A>C on the plus strand (T>G on the coding strand, the complement: MYBPC3 is on the minus strand). VCF-style: chr11-47332812-A-C. GRCh37 (hg19) VCF-style: chr11-47354363-A-C.
Identifiers: ClinVar variation 5007875 (VCV005007875.2).

ClinVar aggregate classification (germline): Likely pathogenic (1 of 4 stars; one submission).

Conditions:
Hypertrophic cardiomyopathy 4. Also called: Familial hypertrophic cardiomyopathy 4. Identifiers: MedGen C1861862, MONDO:0007268, OMIM 115197.

Submission:

Juno Genomics, Hangzhou Juno Genomics, Inc
Classification: Likely pathogenic for Hypertrophic cardiomyopathy 4. Review status: criteria provided, single submitter. Criteria: ACMG Guidelines, 2015. Collection method: clinical testing. Allele origin: germline.
Comment: Null variant in a gene where loss of function (LOF) is a known mechanism of disease.;Absent from controls (or at extremely low frequency if recessive) in Genome Aggregation Database.